The following is an entry in ClinVar:

NM_016929.5(CLIC5):c.173+6G>A

Gene: CLIC5 (chloride intracellular channel 5; minus strand). Cytogenetic location: 6p21.1.
Variant type: single nucleotide variant.
Coding change: c.173+6G>A on transcript NM_016929.5 (MANE Select); 6 bases into the intron after coding-DNA position 173, G replaced by A.
Molecular consequence: intron variant.
Genome position (GRCh38, 1-based): chr6:45,955,129, C>T on the plus strand (G>A on the coding strand, the complement: CLIC5 is on the minus strand). VCF-style: chr6-45955129-C-T. GRCh37 (hg19) VCF-style: chr6-45922866-C-T.
Other names: c.56+6G>A (NM_001370649.1); c.650+6G>A (NM_001370650.1, NM_001114086.2); c.173+6G>A (NM_001256023.2).
Identifiers: ClinVar variation 3608697 (VCV003608697.2).

ClinVar aggregate classification (germline): Uncertain significance (1 of 4 stars; one submission).

gnomAD v4.1: 37 of 1,598,760 alleles (0.0023%); highest among the groups gnomAD compares: Admixed American, 0.0033%; no homozygotes.

Submission:

Labcorp Genetics (formerly Invitae), Labcorp
Classification: Uncertain significance. Last evaluated: 2025-01-14. Review status: criteria provided, single submitter. Criteria: Invitae Variant Classification Sherloc (09022015). Collection method: clinical testing. Allele origin: germline.
Comment: This sequence change falls in intron 2 of the CLIC5 gene. It does not directly change the encoded amino acid sequence of the CLIC5 protein. It affects a nucleotide within the consensus splice site. This variant is present in population databases (rs751653965, gnomAD 0.004%). This variant has not been reported in the literature in individuals affected with CLIC5-related conditions. Variants that disrupt the consensus splice site are a relatively common cause of aberrant splicing (PMID: 17576681, 9536098). Algorithms developed to predict the effect of sequence changes on RNA splicing suggest that this variant is not likely to affect RNA splicing. In summary, the available evidence is currently insufficient to determine the role of this variant in disease. Therefore, it has been classified as a Variant of Uncertain Significance.

Literature cited by the submitters: PubMed 17576681; PubMed 9536098.